The following is an entry in ClinVar:

ClinVar aggregate classification (germline): Uncertain significance (1 of 4 stars; one submission).

Conditions:
Hereditary cancer-predisposing syndrome. Also called: Neoplastic Syndromes, Hereditary; Tumor predisposition; Hereditary Cancer Syndrome; Hereditary neoplastic syndrome. Identifiers: Orphanet 140162, MedGen C0027672, MeSH D009386, MONDO:0015356.

Submission:

Ambry Genetics
Classification: Uncertain significance for Hereditary cancer-predisposing syndrome. Last evaluated: 2026-04-14. Review status: criteria provided, single submitter. Criteria: Ambry Variant Classification Scheme 2023. Collection method: clinical testing. Allele origin: germline.
Comment: The c.681+1G>C intronic variant results from a G to C substitution one nucleotide after coding exon 7 of the BRCA2 gene. This nucleotide position is highly conserved in available vertebrate species. In silico splice site analysis predicts that this alteration will weaken the native splice donor site and will result in the creation or strengthening of a novel splice donor site; however, direct evidence is insufficient at this time (Ambry internal data). Alterations that disrupt the canonical splice site are expected to cause aberrant splicing, resulting in an abnormal protein or a transcript that is subject to nonsense-mediated mRNA decay. However, RNA studies have demonstrated that other alterations at this donor site (including BRCA2 c.681+1G>A and c.681+2dupT) result in a combination of in-frame and out of frame transcripts (Wai HA et al. Genet Med, 2020 06;22:1005-1014; Ambry internal data). Data show that one of these observed transcripts, an in-frame deletion of 68 amino acids, is able to rescue Brca2-null mouse embryonic stem cell survival defects and has near normal homology directed DNA repair function (Mesman RLS et al. Genet Med, 2020 08;22:1355-1365). Therefore, the clinical impact of this abnormal splicing is unknown at this time. Since supporting evidence is limited at this time, the clinical significance of this alteration remains unclear.

NM_000059.4(BRCA2):c.681+1G>C

Gene: BRCA2 (BRCA2 DNA repair associated; plus strand). Cytogenetic location: 13q13.1.
Variant type: single nucleotide variant.
Coding change: c.681+1G>C on transcript NM_000059.4 (MANE Select); the canonical splice donor site of the intron after coding-DNA position 681, G replaced by C.
Molecular consequence: splice donor variant.
Genome position (GRCh38, 1-based): chr13:32,329,493, G>C. VCF-style: chr13-32329493-G-C. GRCh37 (hg19) VCF-style: chr13-32903630-G-C.
Other names: c.681+1G>C (NM_001432077.1, NM_001406720.1, NM_001406719.1 and 1 more transcripts); c.312+1G>C (NM_001406722.1).
Identifiers: ClinVar variation 4867827 (VCV004867827.1).